The following is an entry in ClinVar:

NM_000535.7(PMS2):c.1160dup (p.Met387fs)

Gene: PMS2 (PMS1 homolog 2, mismatch repair system component; minus strand). Cytogenetic location: 7p22.1.
Variant type: Duplication.
Coding change: c.1160dup on transcript NM_000535.7 (MANE Select); coding-DNA position 1160, one base duplicated (T; older notation c.1160dupT).
Protein change: p.Met387fs; shifts the reading frame from methionine 387.
Molecular consequence: frameshift variant. On other transcripts: non-coding transcript variant (1), intron variant (1).
Genome position (GRCh38, 1-based): chr7:5,987,605, A duplicated on the plus strand (T on the coding strand, the reverse complement: PMS2 is on the minus strand). VCF-style (leftmost placement, unchanged base first): chr7-5987604-C-CA. GRCh37 (hg19) VCF-style: chr7-6027235-C-CA.
Other names: c.755dup, p.Met252Ilefs (NM_001018040.1); c.755dup, p.Met252fs (NM_001322003.2, NM_001322004.2, NM_001322005.2 and 16 more transcripts); c.1004dup, p.Met335fs (NM_001322006.2, NM_001406870.1); c.842dup, p.Met281fs (NM_001322007.2, NM_001322008.2, NM_001406876.1 and 2 more transcripts); c.599dup, p.Met200fs (NM_001322010.2, NM_001406906.1, NM_001406907.1); c.227dup, p.Met76fs (NM_001322011.2, NM_001322012.2); c.587dup, p.Met196fs (NM_001322013.2, NM_001406909.1); c.1160dup, p.Met387fs (NM_001322014.2, NM_001406871.1, NM_001406872.1); and 14 more; short protein forms M252fs, M275fs, M321fs, M387fs, M229fs, M265fs, M279fs, M76fs.
Identifiers: ClinVar variation 2866622 (VCV002866622.3), dbSNP rs2535841923, ClinGen allele CA2739266254.
Genomic context (GRCh38, chr7:5,987,604, plus strand): 5'-CCTTAATGAAGGGGATTGATCCTGCTTTTCTACCATGGGCTTTTCCAAATCCGCTGCATG[C>CA]ATTTTTATTAAGTTACCTAAGCAAACGTGGACGGAGAAGAGGGTCAGGGACTATCCTGAA-3'

ClinVar aggregate classification (germline): Pathogenic (1 of 4 stars; one submission).

Conditions:
Hereditary nonpolyposis colorectal neoplasms. Identifiers: MedGen C0009405, MeSH D003123.

Submission:

Labcorp Genetics (formerly Invitae), Labcorp
Classification: Pathogenic for Hereditary nonpolyposis colorectal neoplasms. Last evaluated: 2023-05-21. Review status: criteria provided, single submitter. Criteria: Invitae Variant Classification Sherloc (09022015). Collection method: clinical testing. Allele origin: germline.
Comment: This sequence change creates a premature translational stop signal (p.Met387Ilefs*71) in the PMS2 gene. It is expected to result in an absent or disrupted protein product. Loss-of-function variants in PMS2 are known to be pathogenic (PMID: 21376568, 24362816). This variant is not present in population databases (gnomAD no frequency). This variant has not been reported in the literature in individuals affected with PMS2-related conditions. For these reasons, this variant has been classified as Pathogenic.

Literature cited by the submitters: PubMed 21376568; PubMed 24362816.